The following is an entry in ClinVar:

NM_018255.4(ELP2):c.1156G>C (p.Gly386Arg)

Gene: ELP2 (elongator acetyltransferase complex subunit 2; plus strand). Cytogenetic location: 18q12.2.
Variant type: single nucleotide variant.
Coding change: c.1156G>C on transcript NM_018255.4 (MANE Select); coding-DNA position 1156, G replaced by C.
Protein change: p.Gly386Arg; replaces glycine 386 with arginine.
Molecular consequence: missense variant. On other transcripts: non-coding transcript variant (4), intron variant (1).
Genome position (GRCh38, 1-based): chr18:36,154,880, G>C. VCF-style: chr18-36154880-G-C. GRCh37 (hg19) VCF-style: chr18-33734843-G-C.
Other names: c.1351G>C, p.Gly451Arg (NM_001242875.3); c.1141G>C, p.Gly381Arg (NM_001242876.3); c.1078G>C, p.Gly360Arg (NM_001242877.3); c.946G>C, p.Gly316Arg (NM_001242878.3, NM_001242879.3); c.1024G>C, p.Gly342Arg (NM_001324465.2); c.1273G>C, p.Gly425Arg (NM_001324466.2); c.709G>C, p.Gly237Arg (NM_001324468.2); c.1126-1586G>C (NM_001324467.2); short protein forms G237R, G316R, G342R, G360R, G381R, G386R, G425R, G451R.
Identifiers: ClinVar variation 4845499 (VCV004845499.1).

ClinVar aggregate classification (germline): Uncertain significance (1 of 4 stars; one submission).

gnomAD v4.1: 2 of 1,614,078 alleles (0.00012%); highest among the groups gnomAD compares: African/African-American, 0.0013%; no homozygotes.

Submission:

Greenwood Genetic Center Diagnostic Laboratories, Greenwood Genetic Center
Classification: Uncertain significance. Last evaluated: 2025-12-02. Review status: criteria provided, single submitter. Criteria: ACMG Guidelines, 2015. Collection method: clinical testing. Allele origin: germline. Affected: yes.
Comment: PM2